The following is an entry in ClinVar:

ClinVar aggregate classification (germline): Uncertain significance. Review status: criteria provided, multiple submitters, no conflicts (2 of 4 stars). 2 submissions from 2 submitters: Uncertain significance (2). Last evaluated 2025-01-09.

Conditions:
Cardiovascular phenotype. Identifiers: MedGen CN230736.
Arrhythmogenic right ventricular dysplasia 10. Also called: Arrhythmogenic Right Ventricular Dysplasia/Cardiomyopathy10; Arrhythmogenic right ventricular dysplasia/cardiomyopathy, type 10; ARRHYTHMOGENIC RIGHT VENTRICULAR DYSPLASIA, FAMILIAL, 10. Identifiers: MedGen C1857777, MONDO:0012434, OMIM 610193.

gnomAD v4.1: 2 of 1,613,910 alleles (0.00012%); highest among the groups gnomAD compares: East Asian, 0.0022%; no homozygotes.

Submissions (2):

Ambry Genetics
Classification: Uncertain significance for Cardiovascular phenotype. Last evaluated: 2025-01-09. Review status: criteria provided, single submitter. Criteria: Ambry Variant Classification Scheme 2023. Collection method: clinical testing. Allele origin: germline.
Comment: The p.A131S variant (also known as c.391G>T), located in coding exon 5 of the DSG2 gene, results from a G to T substitution at nucleotide position 391. The alanine at codon 131 is replaced by serine, an amino acid with similar properties. This amino acid position is highly conserved in available vertebrate species. In addition, this alteration is predicted to be deleterious by in silico analysis. Since supporting evidence is limited at this time, the clinical significance of this alteration remains unclear.

Labcorp Genetics (formerly Invitae), Labcorp
Classification: Uncertain significance for Arrhythmogenic right ventricular dysplasia 10. Last evaluated: 2021-02-21. Review status: criteria provided, single submitter. Criteria: Invitae Variant Classification Sherloc (09022015). Collection method: clinical testing. Allele origin: germline.
Comment: This sequence change replaces alanine with serine at codon 131 of the DSG2 protein (p.Ala131Ser). The alanine residue is highly conserved and there is a moderate physicochemical difference between alanine and serine. This variant is present in population databases (rs373542380, ExAC 0.01%). This variant has not been reported in the literature in individuals with DSG2-related conditions. Algorithms developed to predict the effect of missense changes on protein structure and function (SIFT, PolyPhen-2, Align-GVGD) all suggest that this variant is likely to be disruptive, but these predictions have not been confirmed by published functional studies and their clinical significance is uncertain. In summary, the available evidence is currently insufficient to determine the role of this variant in disease. Therefore, it has been classified as a Variant of Uncertain Significance.

NM_001943.5(DSG2):c.391G>T (p.Ala131Ser)

Gene: DSG2 (desmoglein 2; plus strand). Cytogenetic location: 18q12.1.
Variant type: single nucleotide variant.
Coding change: c.391G>T on transcript NM_001943.5 (MANE Select); coding-DNA position 391, G replaced by T.
Protein change: p.Ala131Ser; replaces alanine 131 with serine.
Molecular consequence: missense variant.
Genome position (GRCh38, 1-based): chr18:31,521,111, G>T. VCF-style: chr18-31521111-G-T. GRCh37 (hg19) VCF-style: chr18-29101074-G-T.
Other names: short protein forms A131S.
Identifiers: ClinVar variation 1345680 (VCV001345680.11), dbSNP rs373542380, ClinGen allele CA048659.